The following is an entry in ClinVar:

NM_002152.3(HRC):c.696T>C (p.His232=)

Gene: HRC (histidine rich calcium binding protein; minus strand). Cytogenetic location: 19q13.33.
Variant type: single nucleotide variant.
Coding change: c.696T>C on transcript NM_002152.3 (MANE Select); coding-DNA position 696, T replaced by C.
Protein change: p.His232=; no amino-acid change (histidine 232 retained).
Molecular consequence: synonymous variant.
Genome position (GRCh38, 1-based): chr19:49,154,542, A>G on the plus strand (T>C on the coding strand, the complement: HRC is on the minus strand). VCF-style: chr19-49154542-A-G. GRCh37 (hg19) VCF-style: chr19-49657799-A-G.
Identifiers: ClinVar variation 2650234 (VCV002650234.24), dbSNP rs756485376, ClinGen allele CA9568430.

ClinVar aggregate classification (germline): Likely benign (1 of 4 stars; one submission).

Allele frequency attached by ClinVar (database versions not stated): gnomAD exomes below 0.00001; gnomAD 0.00001; ExAC 0.00070.
gnomAD v4.1: 2 of 1,593,414 alleles (0.00013%); highest among the groups gnomAD compares: Admixed American, 0.0017%; no homozygotes.

Submission:

CeGaT Center for Human Genetics Tuebingen
Classification: Likely benign. Last evaluated: 2025-10-01. Review status: criteria provided, single submitter. Criteria: CeGaT Center For Human Genetics Tuebingen Variant Classification Criteria Version 2. Collection method: clinical testing. Allele origin: germline. Affected: yes. Observed: 3 variant alleles.
Comment: HRC: BP4, BP7